The following is an entry in ClinVar:

NM_014679.5(CEP57):c.1358G>A (p.Arg453His)

Gene: CEP57 (centrosomal protein 57; plus strand). Cytogenetic location: 11q21.
Variant type: single nucleotide variant.
Coding change: c.1358G>A on transcript NM_014679.5 (MANE Select); coding-DNA position 1358, G replaced by A.
Protein change: p.Arg453His; replaces arginine 453 with histidine.
Molecular consequence: missense variant.
Genome position (GRCh38, 1-based): chr11:95,831,111, G>A. VCF-style: chr11-95831111-G-A. GRCh37 (hg19) VCF-style: chr11-95564275-G-A.
Other names: c.1358G>A (NM_014679.4); c.1331G>A, p.Arg444His (NM_001243776.2); c.1280G>A, p.Arg427His (NM_001243777.2); c.1277G>A, p.Arg426His (NM_001363604.2); short protein forms R426H, R444H, R453H, R427H.
Identifiers: ClinVar variation 2195164 (VCV002195164.5), dbSNP rs371631321, ClinGen allele CA6239782.
Genomic context (GRCh38, chr11:95,831,111, plus strand): 5'-AGAAGAAGGAATTAAAAGCTACCAAAAAGACTCTTGATGAAGAAAGAAACAGCAGCAGCC[G>A]TTCTGGAATCACAGGGACCACAAATAAGAAAGATTTTATGAAACTGAGACCTGGAGAAAA-3'
Protein context (NP_055494.2, residues 443-463): TLDEERNSSS[Arg453His]SGITGTTNKK

ClinVar aggregate classification (germline): Uncertain significance. Review status: criteria provided, multiple submitters, no conflicts (2 of 4 stars). 2 submissions from 2 submitters: Uncertain significance (2). Last evaluated 2025-10-14.

Conditions:
Mosaic variegated aneuploidy syndrome 2 (MVA2). Identifiers: Orphanet 1052, MedGen C3279843, MONDO:0013582, OMIM 614114.
Inborn genetic diseases. Identifiers: MedGen C0950123, MeSH D030342.

Allele frequency attached by ClinVar (database versions not stated): ExAC 0.00002; gnomAD 0.00002; TOPMed 0.00004; gnomAD exomes 0.00006; ESP Exome Variant Server 0.00008.
gnomAD v4.1: 85 of 1,613,342 alleles (0.0053%); highest among the groups gnomAD compares: Middle Eastern, 0.016%; no homozygotes.

Submissions (2):

Labcorp Genetics (formerly Invitae), Labcorp
Classification: Uncertain significance for Mosaic variegated aneuploidy syndrome 2. Last evaluated: 2025-10-14. Review status: criteria provided, single submitter. Criteria: Invitae Variant Classification Sherloc (09022015). Collection method: clinical testing. Allele origin: germline.
Comment: This sequence change replaces arginine, which is basic and polar, with histidine, which is basic and polar, at codon 453 of the CEP57 protein (p.Arg453His). This variant is present in population databases (rs371631321, gnomAD 0.004%). This variant has not been reported in the literature in individuals affected with CEP57-related conditions. ClinVar contains an entry for this variant (Variation ID: 2195164). Invitae Evidence Modeling of protein sequence and biophysical properties (such as structural, functional, and spatial information, amino acid conservation, physicochemical variation, residue mobility, and thermodynamic stability) indicates that this missense variant is not expected to disrupt CEP57 protein function with a negative predictive value of 80%. In summary, the available evidence is currently insufficient to determine the role of this variant in disease. Therefore, it has been classified as a Variant of Uncertain Significance.

Ambry Genetics
Classification: Uncertain significance for Inborn genetic diseases. Last evaluated: 2024-12-02. Review status: criteria provided, single submitter. Criteria: Ambry Variant Classification Scheme 2023. Collection method: clinical testing. Allele origin: germline.
Comment: The p.R453H variant (also known as c.1358G>A), located in coding exon 11 of the CEP57 gene, results from a G to A substitution at nucleotide position 1358. The arginine at codon 453 is replaced by histidine, an amino acid with highly similar properties. This amino acid position is conserved. In addition, this alteration is predicted to be tolerated by in silico analysis. Based on the available evidence, the clinical significance of this variant remains unclear.